The following is an entry in ClinVar:

ClinVar aggregate classification (germline): Conflicting classifications of pathogenicity. Review status: criteria provided, conflicting classifications (1 of 4 stars). 3 submissions from 3 submitters: Uncertain significance (2); Likely benign (1). Last evaluated 2025-01-13.

Allele frequency attached by ClinVar (database versions not stated): gnomAD 0.00011; TOPMed 0.00012; ExAC 0.00014; ESP Exome Variant Server 0.00031.
gnomAD v4.1: 280 of 1,612,916 alleles (0.017%); highest among the groups gnomAD compares: Non-Finnish European, 0.023%; no homozygotes.

Submissions (3):

Labcorp Genetics (formerly Invitae), Labcorp
Classification: Uncertain significance. Last evaluated: 2025-01-13. Review status: criteria provided, single submitter. Criteria: Invitae Variant Classification Sherloc (09022015). Collection method: clinical testing. Allele origin: germline.
Comment: This sequence change replaces alanine, which is neutral and non-polar, with glycine, which is neutral and non-polar, at codon 471 of the CEP250 protein (p.Ala471Gly). This variant is present in population databases (rs199644814, gnomAD 0.02%). This variant has not been reported in the literature in individuals affected with CEP250-related conditions. ClinVar contains an entry for this variant (Variation ID: 1041633). An algorithm developed to predict the effect of missense changes on protein structure and function (PolyPhen-2) suggests that this variant¬†is likely to be tolerated. In summary, the available evidence is currently insufficient to determine the role of this variant in disease. Therefore, it has been classified as a Variant of Uncertain Significance.

Blueprint Genetics
Classification: Likely benign. Last evaluated: 2024-03-11. Review status: criteria provided, single submitter. Criteria: ACMG Guidelines, 2015. Collection method: clinical testing. Allele origin: germline.

Ambry Genetics
Classification: Uncertain significance. Last evaluated: 2021-07-15. Review status: criteria provided, single submitter. Criteria: Ambry Variant Classification Scheme 2023. Collection method: clinical testing. Allele origin: germline.

NM_007186.6(CEP250):c.1412C>G (p.Ala471Gly)

Genes: CEP250 (centrosomal protein 250; plus strand), CEP250-AS1 (CEP250 antisense RNA 1; minus strand). Cytogenetic location: 20q11.22.
Variant type: single nucleotide variant.
Coding change: c.1412C>G on transcript NM_007186.6 (MANE Select); coding-DNA position 1412, C replaced by G.
Protein change: p.Ala471Gly; replaces alanine 471 with glycine.
Molecular consequence: missense variant. On other transcripts: 5 prime UTR variant (1).
Genome position (GRCh38, 1-based): chr20:35,473,893, C>G. VCF-style: chr20-35473893-C-G. GRCh37 (hg19) VCF-style: chr20-34061718-C-G.
Other names: c.1412C>G (NM_007186.3); c.-488C>G (NM_001318219.1); short protein forms A471G.
Identifiers: ClinVar variation 1041633 (VCV001041633.9), dbSNP rs199644814, ClinGen allele CA9832925.